The following is an entry in ClinVar:

NM_000091.5(COL4A3):c.329C>G (p.Thr110Ser)

Genes: COL4A3 (collagen type IV alpha 3 chain; plus strand), MFF-DT (MFF divergent transcript; minus strand). Cytogenetic location: 2q36.3.
Variant type: single nucleotide variant.
Coding change: c.329C>G on transcript NM_000091.5 (MANE Select); coding-DNA position 329, C replaced by G.
Protein change: p.Thr110Ser; replaces threonine 110 with serine.
Molecular consequence: missense variant.
Genome position (GRCh38, 1-based): chr2:227,245,958, C>G. VCF-style: chr2-227245958-C-G. GRCh37 (hg19) VCF-style: chr2-228110674-C-G.
Other names: c.329C>G (NM_000091.4); short protein forms T110S.
Identifiers: ClinVar variation 1089132 (VCV001089132.11), dbSNP rs543390575, ClinGen allele CA2146054.

ClinVar aggregate classification (germline): Conflicting classifications of pathogenicity. Review status: criteria provided, conflicting classifications (1 of 4 stars). 3 submissions from 3 submitters: Uncertain significance (2); Likely benign (1). Last evaluated 2026-01-24.

Conditions:
Inborn genetic diseases. Identifiers: MedGen C0950123, MeSH D030342.

Allele frequency attached by ClinVar (database versions not stated): 1000 Genomes Project 30x 0.00047; 1000 Genomes Project 0.00040.
gnomAD v4.1: 73 of 1,613,698 alleles (0.0045%); highest among the groups gnomAD compares: South Asian, 0.077%; no homozygotes.

Submissions (3):

Labcorp Genetics (formerly Invitae), Labcorp
Classification: Likely benign. Last evaluated: 2026-01-24. Review status: criteria provided, single submitter. Criteria: Invitae Variant Classification Sherloc (09022015). Collection method: clinical testing. Allele origin: germline.

Ambry Genetics
Classification: Uncertain significance for Inborn genetic diseases. Last evaluated: 2025-02-08. Review status: criteria provided, single submitter. Criteria: Ambry Variant Classification Scheme 2023. Collection method: clinical testing. Allele origin: germline.

GeneDx
Classification: Uncertain significance. Last evaluated: 2023-10-17. Review status: criteria provided, single submitter. Criteria: GeneDx Variant Classification Process June 2021. Collection method: clinical testing. Allele origin: germline. Affected: yes.
Comment: In silico analysis supports that this missense variant does not alter protein structure/function; Occurs in the triple helical domain at the X position in the canonical Gly-X-Y repeat; although this variant may have an effect on normal protein folding and function, missense substitution at the X position is not a common mechanism of disease; Has not been previously published as pathogenic or benign to our knowledge